The following is an entry in ClinVar:

ClinVar aggregate classification (germline): Uncertain significance (1 of 4 stars; one submission).

Submission:

Labcorp Genetics (formerly Invitae), Labcorp
Classification: Uncertain significance. Last evaluated: 2022-08-06. Review status: criteria provided, single submitter. Criteria: Invitae Variant Classification Sherloc (09022015). Collection method: clinical testing. Allele origin: germline.
Comment: In summary, the available evidence is currently insufficient to determine the role of this variant in disease. Therefore, it has been classified as a Variant of Uncertain Significance. Algorithms developed to predict the effect of missense changes on protein structure and function output the following: SIFT: "Tolerated"; PolyPhen-2: "Benign"; Align-GVGD: "Class C0". The glycine amino acid residue is found in multiple mammalian species, which suggests that this missense change does not adversely affect protein function. This variant has not been reported in the literature in individuals affected with GSN-related conditions. This variant is not present in population databases (gnomAD no frequency). This sequence change replaces arginine, which is basic and polar, with glycine, which is neutral and non-polar, at codon 626 of the GSN protein (p.Arg626Gly).

NM_198252.3(GSN):c.1723C>G (p.Arg575Gly)

Gene: GSN (gelsolin; plus strand). Cytogenetic location: 9q33.2.
Variant type: single nucleotide variant.
Coding change: c.1723C>G on transcript NM_198252.3 (MANE Select); coding-DNA position 1723, C replaced by G.
Protein change: p.Arg575Gly; replaces arginine 575 with glycine.
Molecular consequence: missense variant.
Genome position (GRCh38, 1-based): chr9:121,327,443, C>G. VCF-style: chr9-121327443-C-G. GRCh37 (hg19) VCF-style: chr9-124089721-C-G.
Other names: c.1876C>G, p.Arg626Gly (NM_000177.5); c.1723C>G, p.Arg575Gly (NM_001127662.2, NM_001127664.2, NM_001127665.2 and 10 more transcripts); c.1831C>G, p.Arg611Gly (NM_001127663.2); c.1756C>G, p.Arg586Gly (NM_001127666.2, NM_001127667.2, NM_001353073.2 and 13 more transcripts); c.1774C>G, p.Arg592Gly (NM_001258029.2); c.1747C>G, p.Arg583Gly (NM_001258030.2); c.1795C>G, p.Arg599Gly (NM_001353076.2); c.1069C>G, p.Arg357Gly (NM_001353078.2); short protein forms R583G, R586G, R592G, R611G, R357G, R575G, R599G, R626G.
Identifiers: ClinVar variation 2022056 (VCV002022056.4), dbSNP rs1404195872, ClinGen allele CA374756035.
Genomic context (GRCh38, chr9:121,327,443, plus strand): 5'-GTGGGTACAGGAGCCAGCGAGGCAGAGAAGACGGGGGCCCAGGAGCTGCTCAGGGTGCTG[C>G]GGGCCCAACCTGTGCAGGTGGCAGAAGGCAGCGAGCCAGGTAGGAGCCGGGGTGGGGGGC-3'
Protein context (NP_937895.1, residues 565-585): TGAQELLRVL[Arg575Gly]AQPVQVAEGS